The following is an entry in ClinVar:

ClinVar aggregate classification (germline): Conflicting classifications of pathogenicity. Review status: criteria provided, conflicting classifications (1 of 4 stars). 2 submissions from 2 submitters: Uncertain significance (1); Likely benign (1). Last evaluated 2024-11-08.

Allele frequency attached by ClinVar (database versions not stated): gnomAD exomes below 0.00001; gnomAD 0.00001; TOPMed 0.00001.
gnomAD v4.1: 2 of 1,613,556 alleles (0.00012%); highest among the groups gnomAD compares: Non-Finnish European, 0.000085%; no homozygotes.

Submissions (2):

Labcorp Genetics (formerly Invitae), Labcorp
Classification: Likely benign. Last evaluated: 2024-11-08. Review status: criteria provided, single submitter. Criteria: Invitae Variant Classification Sherloc (09022015). Collection method: clinical testing. Allele origin: germline.

GeneDx
Classification: Uncertain significance. Last evaluated: 2023-02-23. Review status: criteria provided, single submitter. Criteria: GeneDx Variant Classification Process June 2021. Collection method: clinical testing. Allele origin: germline. Affected: yes.
Comment: Has not been previously published as pathogenic or benign to our knowledge; Not observed at significant frequency in large population cohorts (gnomAD); In silico analysis supports that this missense variant has a deleterious effect on protein structure/function; Not located in the triple helical region, where the majority of pathogenic missense variants occur (HGMD; Acke et al., 2014)

NM_001854.4(COL11A1):c.1054A>T (p.Arg352Trp)

Gene: COL11A1 (collagen type XI alpha 1 chain; minus strand). Cytogenetic location: 1p21.1.
Variant type: single nucleotide variant.
Coding change: c.1054A>T on transcript NM_001854.4 (MANE Select); coding-DNA position 1054, A replaced by T.
Protein change: p.Arg352Trp; replaces arginine 352 with tryptophan.
Molecular consequence: missense variant. On other transcripts: non-coding transcript variant (1), intron variant (1).
Genome position (GRCh38, 1-based): chr1:103,022,933, T>A on the plus strand (A>T on the coding strand, the complement: COL11A1 is on the minus strand). VCF-style: chr1-103022933-T-A. GRCh37 (hg19) VCF-style: chr1-103488489-T-A.
Other names: c.937A>T, p.Arg313Trp (NM_001190709.2); c.1090A>T, p.Arg364Trp (NM_080629.3); c.898-1164A>T (NM_080630.4); c.1054A>T (NM_001854.3); short protein forms R352W, R364W, R313W.
Identifiers: ClinVar variation 1486056 (VCV001486056.9), dbSNP rs1402379236, ClinGen allele CA341154943.